The following is an entry in ClinVar:

ClinVar aggregate classification (germline): Uncertain significance (1 of 4 stars; one submission).

Conditions:
Hypertrophic cardiomyopathy. Also called: HYPERTROPHIC MYOCARDIOPATHY. Identifiers: Orphanet 217569, MedGen C0007194, MeSH D002312, MONDO:0005045, HP:0001639.

Submission:

Labcorp Genetics (formerly Invitae), Labcorp
Classification: Uncertain significance for Hypertrophic cardiomyopathy. Last evaluated: 2017-02-17. Review status: criteria provided, single submitter. Criteria: Invitae Variant Classification Sherloc (09022015). Collection method: clinical testing. Allele origin: germline.
Comment: This sequence change replaces leucine with arginine at codon 166 of the MYH7 protein (p.Leu166Arg). The leucine residue is highly conserved and there is a moderate physicochemical difference between leucine and arginine. This variant is not present in population databases (ExAC no frequency) and has not been reported in the literature in individuals with a MYH7-related disease. A computational algorithm designed to assess the pathogenicity of variants in MYH7 with regard to hypertrophic cardiomyopathy predicted this sequence change to be deleterious. The algorithm has a sensitivity of 94% and a specificity of 89% (PMID: 21310275). In summary, this variant is a novel missense change with uncertain impact on protein function. It has been classified as a Variant of Uncertain Significance.

NM_000257.4(MYH7):c.497T>G (p.Leu166Arg)

Gene: MYH7 (myosin heavy chain 7; minus strand). Cytogenetic location: 14q11.2.
Variant type: single nucleotide variant.
Coding change: c.497T>G on transcript NM_000257.4 (MANE Select); coding-DNA position 497, T replaced by G.
Protein change: p.Leu166Arg; replaces leucine 166 with arginine.
Molecular consequence: missense variant.
Genome position (GRCh38, 1-based): chr14:23,432,644, A>C on the plus strand (T>G on the coding strand, the complement: MYH7 is on the minus strand). VCF-style: chr14-23432644-A-C. GRCh37 (hg19) VCF-style: chr14-23901853-A-C.
Other names: short protein forms L166R.
Identifiers: ClinVar variation 454383 (VCV000454383.1), dbSNP rs1555338757, ClinGen allele CA389052692.